The following is an entry in ClinVar:

ClinVar aggregate classification (germline): Pathogenic (1 of 4 stars; one submission).

Submission:

GeneDx
Classification: Pathogenic. Last evaluated: 2017-08-11. Review status: criteria provided, single submitter. Criteria: GeneDx Variant Classification (06012015). Collection method: clinical testing. Allele origin: germline. Affected: yes.
Comment: The c.2674delC variant in the EFTUD2 gene has not been reported previously as a pathogenic variant nor as a benign variant, to our knowledge. The c.2674delC variant causes a frameshift starting with codon Glutamine 892, changes this amino acid to an Arginine residue, and creates a premature Stop codon at position 43 of the new reading frame, denoted p.Gln892ArgfsX43. This variant is predicted to cause loss of normal protein function either through protein truncation or nonsense-mediated mRNA decay. The c.2674delC variant is not observed in large population cohorts (Lek et al., 2016; 1000 Genomes Consortium et al., 2015; Exome Variant Server). We interpret c.2674delC as a pathogenic variant.

NM_004247.4(EFTUD2):c.2674del (p.Gln892fs)

Gene: EFTUD2 (elongation factor Tu GTP binding domain containing 2; minus strand). Cytogenetic location: 17q21.31.
Variant type: Deletion.
Coding change: c.2674del on transcript NM_004247.4 (MANE Select); coding-DNA position 2674, one base deleted (C; older notation c.2674delC).
Protein change: p.Gln892fs; shifts the reading frame from glutamine 892.
Molecular consequence: frameshift variant.
Genome position (GRCh38, 1-based): chr17:44,852,450, G deleted on the plus strand (C on the coding strand, the reverse complement: EFTUD2 is on the minus strand); the first of 3 consecutive G bases (chr17:44,852,450-44,852,452); deleting any one gives the same sequence. VCF-style (leftmost placement, unchanged base first): chr17-44852449-TG-T. GRCh37 (hg19) VCF-style: chr17-42929817-TG-T.
Other names: c.2569del, p.Gln857fs (NM_001142605.2); c.2674del, p.Gln892fs (NM_001258353.2); c.2644del, p.Gln882fs (NM_001258354.2); short protein forms Q857fs, Q882fs, Q892fs.
Identifiers: ClinVar variation 451365 (VCV000451365.2), dbSNP rs1555563981, ClinGen allele CA658658621.